The following is an entry in ClinVar:

NM_001145026.2(PTPRQ):c.1264C>T (p.Gln422Ter)

Gene: PTPRQ (protein tyrosine phosphatase receptor type Q; plus strand). Cytogenetic location: 12q21.31.
Variant type: single nucleotide variant.
Coding change: c.1264C>T on transcript NM_001145026.2 (MANE Select); coding-DNA position 1264, C replaced by T.
Protein change: p.Gln422Ter; replaces glutamine 422 with a stop codon.
Molecular consequence: nonsense.
Genome position (GRCh38, 1-based): chr12:80,484,510, C>T. VCF-style: chr12-80484510-C-T. GRCh37 (hg19) VCF-style: chr12-80878289-C-T.
Other names: short protein forms Q422*.
Identifiers: ClinVar variation 3601710 (VCV003601710.1).
Genomic context (GRCh38, chr12:80,484,510, plus strand): 5'-GATTTACAACTTGCAGAGGTAGAATCCACGCAAGTAAGAATTACTTGGAAGAAACCACGA[C>T]AACCAAATGGAATTATTAACCAATACCGAGTGAAAGTGCTAGTTCCAGAGACAGGAATAA-3'

ClinVar aggregate classification (germline): Likely pathogenic (1 of 4 stars; one submission).

Conditions:
Autosomal recessive nonsyndromic hearing loss 84A. Also called: DEAFNESS, AUTOSOMAL RECESSIVE 84A; DEAFNESS, AUTOSOMAL RECESSIVE 84A, WITH VESTIBULAR DYSFUNCTION. Identifiers: Orphanet 90636, MedGen C3150654, MONDO:0013249, OMIM 613391.

Submission:

Institute of Rare Diseases, West China Hospital, Sichuan University
Classification: Likely pathogenic for Autosomal recessive nonsyndromic hearing loss 84A. Last evaluated: 2025-01-09. Review status: criteria provided, single submitter. Criteria: ClinGen HL ACMG Specifications v1. Collection method: research. Allele origin: germline. Affected: yes.
Comment: PVS1;PM2_Supporting